The following is an entry in ClinVar:

NM_001761.3(CCNF):c.2112C>T (p.Ser704=)

Genes: CCNF (cyclin F; plus strand), LOC105371050 (uncharacterized LOC105371050; minus strand). Cytogenetic location: 16p13.3.
Variant type: single nucleotide variant.
Coding change: c.2112C>T on transcript NM_001761.3 (MANE Select); coding-DNA position 2112, C replaced by T.
Protein change: p.Ser704=; no amino-acid change (serine 704 retained).
Molecular consequence: synonymous variant.
Genome position (GRCh38, 1-based): chr16:2,456,771, C>T. VCF-style: chr16-2456771-C-T. GRCh37 (hg19) VCF-style: chr16-2506772-C-T.
Other names: c.1188C>T, p.Ser396= (NM_001323538.2).
Identifiers: ClinVar variation 3039769 (VCV003039769.2), dbSNP rs373727270, ClinGen allele CA7842828.
Genomic context (GRCh38, chr16:2,456,771, plus strand): 5'-ACCCCTGGTCCGCACCAGCCGGGAGCCAGGGAAGGACGTCACGACCTCAGGGTACTCCTC[C>T]GTCAGCACCGCAAGTCCCACAAGCTCCGTGGACGGTGGCTTGGGGGCCCTGCCCCAACCT-3'
Protein context (NP_001752.2, residues 694-714): GKDVTTSGYS[Ser704=]VSTASPTSSV

ClinVar aggregate classification (germline): Likely benign (0 of 4 stars; one submission).

Conditions:
CCNF-related disorder. Also called: CCNF-related condition.

Allele frequency attached by ClinVar (database versions not stated): gnomAD 0.00011; gnomAD exomes 0.00013; ESP Exome Variant Server 0.00023; ExAC 0.00032; TOPMed 0.00038.
gnomAD v4.1: 248 of 1,613,218 alleles (0.015%); highest among the groups gnomAD compares: Middle Eastern, 0.066%; no homozygotes.

Submission:

PreventionGenetics, part of Exact Sciences
Classification: Likely benign for CCNF-related condition. Last evaluated: 2019-09-17. Review status: no assertion criteria provided. Collection method: clinical testing. Allele origin: germline.
Comment: This variant is classified as likely benign based on ACMG/AMP sequence variant interpretation guidelines (Richards et al. 2015 PMID: 25741868, with internal and published modifications).